The following is an entry in ClinVar:

NM_007325.5(GRIA3):c.1115T>C (p.Phe372Ser)

Gene: GRIA3 (glutamate ionotropic receptor AMPA type subunit 3; plus strand). Cytogenetic location: Xq25.
Variant type: single nucleotide variant.
Coding change: c.1115T>C on transcript NM_007325.5 (MANE Select); coding-DNA position 1115, T replaced by C.
Protein change: p.Phe372Ser; replaces phenylalanine 372 with serine.
Molecular consequence: missense variant.
Genome position (GRCh38, 1-based): chrX:123,403,028, T>C. VCF-style: chrX-123403028-T-C. GRCh37 (hg19) VCF-style: chrX-122536879-T-C.
Other names: c.1115T>C (NM_000828.4); c.1115T>C, p.Phe372Ser (NM_000828.5); short protein forms F372S.
Identifiers: ClinVar variation 2852815 (VCV002852815.4), dbSNP rs2521166763, ClinGen allele CA414258450.
Genomic context (GRCh38, chrX:123,403,028, plus strand): 5'-AATTTTAAATTTTCCCTTTCTACCAGGTGCAAGTACAAGGAATGACTGGAAATATTCAAT[T>C]TGACACTTATGGACGTAGGACAAATTATACCATCGATGTGTATGAAATGAAAGTCAGTGG-3'
Protein context (NP_015564.5, residues 362-382): QVQGMTGNIQ[Phe372Ser]DTYGRRTNYT

ClinVar aggregate classification (germline): Uncertain significance. Review status: criteria provided, multiple submitters, no conflicts (2 of 4 stars). 2 submissions from 2 submitters: Uncertain significance (2). Last evaluated 2024-09-20.

Conditions:
Syndromic X-linked intellectual disability 94 (MRXSW). Also called: MENTAL RETARDATION, X-LINKED, SYNDROMIC 29; X-linked intellectual disability due to GRIA3 anomalies. Identifiers: Orphanet 364028, MedGen C2678051, MONDO:0010402, OMIM 300699.

Submissions (2):

Revvity Omics, Revvity
Classification: Uncertain significance for Syndromic X-linked intellectual disability 94. Last evaluated: 2024-09-20. Review status: criteria provided, single submitter. Criteria: ACMG Guidelines, 2015. Collection method: clinical testing. Allele origin: germline.

Labcorp Genetics (formerly Invitae), Labcorp
Classification: Uncertain significance. Last evaluated: 2023-04-06. Review status: criteria provided, single submitter. Criteria: Invitae Variant Classification Sherloc (09022015). Collection method: clinical testing. Allele origin: germline.
Comment: In summary, the available evidence is currently insufficient to determine the role of this variant in disease. Therefore, it has been classified as a Variant of Uncertain Significance. Advanced modeling of protein sequence and biophysical properties (such as structural, functional, and spatial information, amino acid conservation, physicochemical variation, residue mobility, and thermodynamic stability) performed at Invitae indicates that this missense variant is expected to disrupt GRIA3 protein function. This variant has not been reported in the literature in individuals affected with GRIA3-related conditions. This variant is not present in population databases (gnomAD no frequency). This sequence change replaces phenylalanine, which is neutral and non-polar, with serine, which is neutral and polar, at codon 372 of the GRIA3 protein (p.Phe372Ser).